The following is an entry in ClinVar:

ClinVar aggregate classification (germline): Uncertain significance (1 of 4 stars; one submission).

Submission:

Ambry Genetics
Classification: Uncertain significance. Last evaluated: 2022-02-26. Review status: criteria provided, single submitter. Criteria: Ambry Variant Classification Scheme 2023. Collection method: clinical testing. Allele origin: germline.
Comment: The p.E584A variant (also known as c.1751A>C), located in coding exon 16 of the PRKDC gene, results from an A to C substitution at nucleotide position 1751. The glutamic acid at codon 584 is replaced by alanine, an amino acid with dissimilar properties. This amino acid position is conserved. In addition, this alteration is predicted to be tolerated by in silico analysis. Since supporting evidence is limited at this time, the clinical significance of this alteration remains unclear.

NM_006904.7(PRKDC):c.1751A>C (p.Glu584Ala)

Gene: PRKDC (protein kinase, DNA-activated, catalytic subunit; minus strand). Cytogenetic location: 8q11.21.
Variant type: single nucleotide variant.
Coding change: c.1751A>C on transcript NM_006904.7 (MANE Select); coding-DNA position 1751, A replaced by C.
Protein change: p.Glu584Ala; replaces glutamic acid 584 with alanine.
Molecular consequence: missense variant.
Genome position (GRCh38, 1-based): chr8:47,933,045, T>G on the plus strand (A>C on the coding strand, the complement: PRKDC is on the minus strand). VCF-style: chr8-47933045-T-G. GRCh37 (hg19) VCF-style: chr8-48845605-T-G.
Other names: c.1751A>C, p.Glu584Ala (NM_001081640.2); short protein forms E584A.
Identifiers: ClinVar variation 1779397 (VCV001779397.2), dbSNP rs2551879017, ClinGen allele CA371164944.